The following is an entry in ClinVar:

ClinVar aggregate classification (germline): Pathogenic/Likely pathogenic. Review status: criteria provided, multiple submitters, no conflicts (2 of 4 stars). 14 submissions from 9 submitters: Pathogenic (11); Likely pathogenic (2). 1 of the submissions does not count toward it. Last evaluated 2026-03-26.

Conditions:
Hypertrophic cardiomyopathy 1 (CMH1). Also called: Familial hypertrophic cardiomyopathy 1; MYH7-Related Familial Hypertrophic Cardiomyopathy. Identifiers: MedGen C3495498, MONDO:0008647, OMIM 192600.
Myosin storage myopathy (CMYO7A). Also called: MYH7-related late-onset scapuloperoneal muscular dystrophy; Congenital myopathy 7A, myosin storage, autosomal dominant; MYOPATHY, HYALINE BODY, AUTOSOMAL DOMINANT; MYOPATHY WITH LYSIS OF TYPE I MYOFIBRILS; SCAPULOPERONEAL MUSCULAR DYSTROPHY; SCAPULOPERONEAL SYNDROME, MYOPATHIC TYPE. Identifiers: Orphanet 437572, Orphanet 636965, MedGen C1842160, MONDO:0008409, OMIM 608358.
Dilated cardiomyopathy 1S (CMD1S). Identifiers: Orphanet 154, Orphanet 54260, MedGen C1834481, MONDO:0013262, OMIM 613426.
Congenital myopathy with fiber type disproportion. Also called: Congenital fiber-type disproportion myopathy; Congenital fiber-type disproportion. Identifiers: Orphanet 2020, MedGen C0546264, MONDO:0009711. Inheritance: all.
MYH7-related skeletal myopathy. Also called: Myopathy, distal, 1; Laing distal myopathy; Laing early-onset distal myopathy; MYOPATHY, DISTAL, EARLY-ONSET, AUTOSOMAL DOMINANT; MYOPATHY, LATE DISTAL HEREDITARY. Identifiers: Orphanet 59135, MedGen C4552004, MONDO:0008050, OMIM 160500.
Myopathy, myosin storage, autosomal recessive (CMYO7B). Also called: CONGENITAL MYOPATHY 7B, MYOSIN STORAGE, AUTOSOMAL RECESSIVE. Identifiers: Orphanet 636970, MedGen C1850709, MONDO:0009708, OMIM 255160.
MYH7-related disorder. Also called: MYH7-related condition; MYH7-related disease; MYH7-related disorders.
Cardiovascular phenotype. Identifiers: MedGen CN230736.
Cardiomyopathy (CMYO). Also called: Cardiomyopathies. Identifiers: Orphanet 167848, MedGen C0878544, MONDO:0004994, HP:0001638. Inheritance: Various modes of inheritance.
Hypertrophic cardiomyopathy. Also called: HYPERTROPHIC MYOCARDIOPATHY. Identifiers: Orphanet 217569, MedGen C0007194, MeSH D002312, MONDO:0005045, HP:0001639.

Submissions (14):

Molecular Diagnostic Laboratory for Inherited Cardiovascular Disease, Montreal Heart Institute
Classification: Pathogenic for Cardiovascular phenotype. Last evaluated: 2026-03-26. Review status: criteria provided, single submitter. Criteria: ACMG Guidelines, 2015. Collection method: clinical testing. Allele origin: germline. Affected: yes.

PreventionGenetics, part of Exact Sciences
Classification: Pathogenic for MYH7-related condition. Last evaluated: 2025-03-07. Review status: criteria provided, single submitter. Criteria: ACMG Guidelines, 2015. Collection method: clinical testing. Allele origin: germline.
Comment: The MYH7 c.2788G>C variant is predicted to result in the amino acid substitution p.Glu930Gln. This variant has been reported in multiple individuals with hypertrophic cardiomyopathy and left ventricular noncompaction (Girolami et al. 2006. PubMed ID: 16858239; Table S1B, Walsh et al. 2017. PubMed ID: 27532257; Miller et al. 2017. PubMed ID: 29212898; Table S2, Burstein et al. 2021. PubMed ID: 32746448; Table S6, Park et al. 2022. PubMed ID: 34542152). An alternate missense change affecting the same amino acid (p.Glu930Lys) has been reported in individuals with hypertrophic cardiomyopathy (Table S1B, Walsh et al. 2017. PubMed ID: 27532257). This variant has not been reported in a large population database (gnomAD), indicating this variant is rare. Taken together, the c.2788G>C (p.Glu930Gln) variant is interpreted as pathogenic.

Labcorp Genetics (formerly Invitae), Labcorp
Classification: Pathogenic for Hypertrophic cardiomyopathy. Last evaluated: 2025-01-30. Review status: criteria provided, single submitter. Criteria: Invitae Variant Classification Sherloc (09022015). Collection method: clinical testing. Allele origin: germline.
Comment: This sequence change replaces glutamic acid, which is acidic and polar, with glutamine, which is neutral and polar, at codon 930 of the MYH7 protein (p.Glu930Gln). This variant is not present in population databases (gnomAD no frequency). This missense change has been observed in individuals with hypertrophic cardiomyopathy (PMID: 18533079, 27247418, 27532257; internal data). It has also been observed to segregate with disease in related individuals. ClinVar contains an entry for this variant (Variation ID: 164312). Invitae Evidence Modeling of protein sequence and biophysical properties (such as structural, functional, and spatial information, amino acid conservation, physicochemical variation, residue mobility, and thermodynamic stability) indicates that this missense variant is expected to disrupt MYH7 protein function with a positive predictive value of 95%. This variant is found within a region of MYH7 between codons 181 and 937 that contains the majority of the myosin head domain. Missense variants in this region have been shown to be significantly overrepresented in individuals with hypertrophic cardiomyopathy (PMID: 27532257). For these reasons, this variant has been classified as Pathogenic.

Ambry Genetics
Classification: Likely pathogenic for Cardiovascular phenotype. Last evaluated: 2024-07-24. Review status: criteria provided, single submitter. Criteria: Ambry Variant Classification Scheme 2023. Collection method: clinical testing. Allele origin: germline.
Comment: The p.E930Q variant (also known as c.2788G>C), located in coding exon 21 of the MYH7 gene, results from a G to C substitution at nucleotide position 2788. The glutamic acid at codon 930 is replaced by glutamine, an amino acid with highly similar properties. This alteration is located in the myosin head domain, which contains a statistically significant clustering of pathogenic missense variants (Homburger JR et al. Proc Natl Acad Sci U S A, 2016 06;113:6701-6; Walsh R et al. Genet Med, 2017 02;19:192-203; Ambry internal data). This alteration has been reported in several individuals with hypertrophic cardiomyopathy (HCM) (Girolami F et al. J Cardiovasc Med (Hagerstown), 2006 Aug;7:601-7; Olivotto I et al. Mayo Clin Proc, 2008 Jun;83:630-8; Alfares AA et al. Genet Med, 2015 Nov;17:880-8; Walsh R et al. Genet Med, 2017 Feb;19:192-203; Ware SM et al. J Am Heart Assoc, 2021 May;10:e017731; Burstein DS et al. Pediatr Res, 2021 May;89:1470-1476; Park J et al. Hum Mol Genet, 2022 Mar;31:827-837). This variant is considered to be rare based on population cohorts in the Genome Aggregation Database (gnomAD). This amino acid position is highly conserved in available vertebrate species. In addition, this alteration is predicted to be deleterious by in silico analysis. Based on the majority of available evidence to date, this variant is likely to be pathogenic.

GeneDx
Classification: Pathogenic. Last evaluated: 2023-11-13. Review status: criteria provided, single submitter. Criteria: GeneDx Variant Classification Process June 2021. Collection method: clinical testing. Allele origin: germline. Affected: yes.
Comment: Not observed at significant frequency in large population cohorts (gnomAD); In silico analysis supports that this missense variant does not alter protein structure/function; This variant is associated with the following publications: (PMID: 27247418, 18533079, 16858239, 27532257, 28606303, 21310275, 19134269, 29212898, 32746448, 34542152, 33906374, 29300372)

Baylor Genetics
Classification: Pathogenic for Myopathy, myosin storage, autosomal recessive. Last evaluated: 2022-10-16. Review status: criteria provided, single submitter. Criteria: ACMG Guidelines, 2015. Collection method: clinical testing. Allele origin: unknown.

Baylor Genetics
Classification: Pathogenic for Hypertrophic cardiomyopathy 1. Last evaluated: 2022-10-16. Review status: criteria provided, single submitter. Criteria: ACMG Guidelines, 2015. Collection method: clinical testing. Allele origin: unknown.

Baylor Genetics
Classification: Pathogenic for Dilated cardiomyopathy 1S. Last evaluated: 2022-10-16. Review status: criteria provided, single submitter. Criteria: ACMG Guidelines, 2015. Collection method: clinical testing. Allele origin: unknown.

Baylor Genetics
Classification: Pathogenic for MYH7-related skeletal myopathy. Last evaluated: 2022-10-16. Review status: criteria provided, single submitter. Criteria: ACMG Guidelines, 2015. Collection method: clinical testing. Allele origin: unknown.

Baylor Genetics
Classification: Pathogenic for Myosin storage myopathy. Last evaluated: 2022-10-16. Review status: criteria provided, single submitter. Criteria: ACMG Guidelines, 2015. Collection method: clinical testing. Allele origin: unknown.

Fulgent Genetics
Classification: Pathogenic for MYH7-related skeletal myopathy; Myosin storage myopathy; Hypertrophic cardiomyopathy 1; Myopathy, myosin storage, autosomal recessive; Congenital myopathy 4A, autosomal dominant; Dilated cardiomyopathy 1S. Last evaluated: 2022-01-10. Review status: criteria provided, single submitter. Criteria: ACMG Guidelines, 2015. Collection method: clinical testing. Allele origin: unknown.

CHEO Genetics Diagnostic Laboratory, Children's Hospital of Eastern Ontario
Classification: Pathogenic for Cardiomyopathy. Last evaluated: 2021-08-09. Review status: criteria provided, single submitter. Criteria: ACMG Guidelines, 2015. Collection method: clinical testing. Allele origin: germline.

Laboratory for Molecular Medicine, Mass General Brigham Personalized Medicine
Classification: Likely pathogenic for Hypertrophic cardiomyopathy. Last evaluated: 2013-02-15. Review status: criteria provided, single submitter. Criteria: LMM Criteria. Collection method: clinical testing. Allele origin: germline. Inheritance: Autosomal dominant inheritance. Observed: 10 variant alleles.
Comment: proposed classification - variant undergoing re-assessment, contact laboratory

Baylor Genetics
Classification: Pathogenic for Myosin storage myopathy. Last evaluated: 2022-10-16. Review status: flagged submission. Criteria: ACMG Guidelines, 2015. Collection method: clinical testing. Allele origin: unknown. Not counted in ClinVar's aggregate classification.
ClinVar note: Reason: This record appears to be redundant with a more recent record from the same submitter.
ClinVar note: Notes: SCV003835739 appears to be redundant with SCV003835862.

Literature cited by the submitters: PubMed 18533079 (cited by Labcorp Genetics (formerly Invitae), Labcorp and Ambry Genetics); PubMed 27247418 (cited by Labcorp Genetics (formerly Invitae), Labcorp); PubMed 27532257 (cited by Labcorp Genetics (formerly Invitae), Labcorp and Ambry Genetics); PubMed 16858239 (cited by Ambry Genetics and Laboratory for Molecular Medicine, Mass General Brigham Personalized Medicine); PubMed 25611685 (cited by Ambry Genetics); PubMed 29212898 (cited by Ambry Genetics); PubMed 32746448 (cited by Ambry Genetics); PubMed 33906374 (cited by Ambry Genetics); PubMed 34542152 (cited by Ambry Genetics).

NM_000257.4(MYH7):c.2788G>C (p.Glu930Gln)

Gene: MYH7 (myosin heavy chain 7; minus strand). Cytogenetic location: 14q11.2.
Variant type: single nucleotide variant.
Coding change: c.2788G>C on transcript NM_000257.4 (MANE Select); coding-DNA position 2788, G replaced by C.
Protein change: p.Glu930Gln; replaces glutamic acid 930 with glutamine.
Molecular consequence: missense variant.
Genome position (GRCh38, 1-based): chr14:23,424,041, C>G on the plus strand (G>C on the coding strand, the complement: MYH7 is on the minus strand). VCF-style: chr14-23424041-C-G. GRCh37 (hg19) VCF-style: chr14-23893250-C-G.
Other names: p.E930Q:GAG>CAG; short protein forms E930Q.
Identifiers: ClinVar variation 164312 (VCV000164312.30), dbSNP rs397516171, ClinGen allele CA013084.